The following is an entry in ClinVar:

NM_000257.4(MYH7):c.88C>T (p.Pro30Ser)

Gene: MYH7 (myosin heavy chain 7; minus strand). Cytogenetic location: 14q11.2.
Variant type: single nucleotide variant.
Coding change: c.88C>T on transcript NM_000257.4 (MANE Select); coding-DNA position 88, C replaced by T.
Protein change: p.Pro30Ser; replaces proline 30 with serine.
Molecular consequence: missense variant.
Genome position (GRCh38, 1-based): chr14:23,433,645, G>A on the plus strand (C>T on the coding strand, the complement: MYH7 is on the minus strand). VCF-style: chr14-23433645-G-A. GRCh37 (hg19) VCF-style: chr14-23902854-G-A.
Other names: short protein forms P30S.
Identifiers: ClinVar variation 919228 (VCV000919228.6), dbSNP rs1016438334, ClinGen allele CA389053962.

ClinVar aggregate classification (germline): Uncertain significance. Review status: criteria provided, multiple submitters, no conflicts (2 of 4 stars). 2 submissions from 2 submitters: Uncertain significance (2). Last evaluated 2024-03-06.

Conditions:
Cardiomyopathy (CMYO). Also called: Cardiomyopathies. Identifiers: Orphanet 167848, MedGen C0878544, MONDO:0004994, HP:0001638. Inheritance: Various modes of inheritance.

Submissions (2):

Color Diagnostics, LLC DBA Color Health
Classification: Uncertain significance for Cardiomyopathy. Last evaluated: 2024-03-06. Review status: criteria provided, single submitter. Criteria: ACMG Guidelines, 2015. Collection method: clinical testing. Allele origin: germline.
Comment: This missense variant replaces proline with serine at codon 30 of the MYH7 protein. Computational prediction suggests that this variant may not impact protein structure and function (internally defined REVEL score threshold <= 0.5, PMID: 27666373). Splice site prediction tools suggest that this variant may not impact RNA splicing. To our knowledge, functional studies have not been performed for this variant. This variant has not been reported in individuals affected with cardiovascular disorders in the literature. This variant has not been identified in the general population by the Genome Aggregation Database (gnomAD). The available evidence is insufficient to determine the role of this variant in disease conclusively. Therefore, this variant is classified as a Variant of Uncertain Significance.

GeneDx
Classification: Uncertain significance. Last evaluated: 2020-02-18. Review status: criteria provided, single submitter. Criteria: GeneDx Variant Classification Process June 2021. Collection method: clinical testing. Allele origin: germline. Affected: yes.
Comment: Not observed in large population cohorts (Lek et al., 2016); In silico analysis supports that this missense variant has a deleterious effect on protein structure/function; Has not been previously published as pathogenic or benign to our knowledge